The following is an entry in ClinVar:

ClinVar aggregate classification (germline): Conflicting classifications of pathogenicity. Review status: criteria provided, conflicting classifications (1 of 4 stars). 5 submissions from 5 submitters: Pathogenic (3); Likely pathogenic (1); Uncertain significance (1). Last evaluated 2026-08-27.

Conditions:
Inborn genetic diseases. Identifiers: MedGen C0950123, MeSH D030342.
Complex cortical dysplasia with other brain malformations 5. Identifiers: MedGen C3810407, MONDO:0014337, OMIM 615763.

Submissions (5):

GeneDx
Classification: Pathogenic. Last evaluated: 2026-08-27. Review status: criteria provided, single submitter. Criteria: GeneDx Variant Classification Process June 2021. Collection method: clinical testing. Allele origin: germline.
Comment: Not observed at significant frequency in large population cohorts (gnomAD); In silico analysis supports that this missense variant has a deleterious effect on protein structure/function; Has not been previously published as pathogenic or benign to our knowledge

Institute of Human Genetics, University of Leipzig Medical Center
Classification: Pathogenic for Complex cortical dysplasia with other brain malformations 5. Last evaluated: 2026-08-18. Review status: criteria provided, single submitter. Criteria: ACMG Guidelines, 2015. Collection method: clinical testing. Allele origin: unknown. Inheritance: Autosomal dominant inheritance. Affected: yes.
Comment: Criteria applied: PS2_MOD,PS4_MOD,PM2,PM5,PP2,PP3

Ambry Genetics
Classification: Pathogenic for Inborn genetic diseases. Last evaluated: 2025-03-10. Review status: criteria provided, single submitter. Criteria: Ambry Variant Classification Scheme 2023. Collection method: clinical testing. Allele origin: germline.
Comment: The c.1171C>T (p.R391C) alteration is located in coding exon 4 of the TUBB2A gene. This alteration results from a C to T substitution at nucleotide position 1171, causing the arginine (R) at amino acid position 391 to be replaced by a cysteine (C). This variant was not reported in population-based cohorts in the Genome Aggregation Database (gnomAD). This variant was determined to be de novo in at least one individual with features consistent with TUBB2A-related complex cortical dysplasia (external communication). This amino acid position is highly conserved in available vertebrate species. This missense alteration is located in a region that has a low rate of benign missense variation (Lek, 2016; Firth, 2009). This alteration is predicted to be deleterious by in silico analysis. Based on the available evidence, this alteration is classified as pathogenic.

Labcorp Genetics (formerly Invitae), Labcorp
Classification: Uncertain significance. Last evaluated: 2023-02-24. Review status: criteria provided, single submitter. Criteria: Invitae Variant Classification Sherloc (09022015). Collection method: clinical testing. Allele origin: germline.
Comment: In summary, the available evidence is currently insufficient to determine the role of this variant in disease. Therefore, it has been classified as a Variant of Uncertain Significance. Advanced modeling of protein sequence and biophysical properties (such as structural, functional, and spatial information, amino acid conservation, physicochemical variation, residue mobility, and thermodynamic stability) performed at Invitae indicates that this missense variant is expected to disrupt TUBB2A protein function. ClinVar contains an entry for this variant (Variation ID: 521900). This variant has not been reported in the literature in individuals affected with TUBB2A-related conditions. This variant is not present in population databases (gnomAD no frequency). This sequence change replaces arginine, which is basic and polar, with cysteine, which is neutral and slightly polar, at codon 391 of the TUBB2A protein (p.Arg391Cys).

Mendelics
Classification: Likely pathogenic for Complex cortical dysplasia with other brain malformations 5. Last evaluated: 2019-05-28. Review status: criteria provided, single submitter. Criteria: Mendelics Assertion Criteria 2017. Collection method: clinical testing. Allele origin: unknown.

NM_001069.3(TUBB2A):c.1171C>T (p.Arg391Cys)

Gene: TUBB2A (tubulin beta 2A class IIa; minus strand). Cytogenetic location: 6p25.2.
Variant type: single nucleotide variant.
Coding change: c.1171C>T on transcript NM_001069.3 (MANE Select); coding-DNA position 1171, C replaced by T.
Protein change: p.Arg391Cys; replaces arginine 391 with cysteine.
Molecular consequence: missense variant.
Genome position (GRCh38, 1-based): chr6:3,154,030, G>A on the plus strand (C>T on the coding strand, the complement: TUBB2A is on the minus strand). VCF-style: chr6-3154030-G-A. GRCh37 (hg19) VCF-style: chr6-3154264-G-A.
Other names: c.916C>T, p.Arg306Cys (NM_001310315.2); short protein forms R391C, R306C.
Identifiers: ClinVar variation 521900 (VCV000521900.12), dbSNP rs1554122907, ClinGen allele CA362591069.